The following is an entry in ClinVar:

NM_022489.4(INF2):c.1849A>G (p.Thr617Ala)

Gene: INF2 (inverted formin 2; plus strand). Cytogenetic location: 14q32.33.
Variant type: single nucleotide variant.
Coding change: c.1849A>G on transcript NM_022489.4 (MANE Select); coding-DNA position 1849, A replaced by G.
Protein change: p.Thr617Ala; replaces threonine 617 with alanine.
Molecular consequence: missense variant.
Genome position (GRCh38, 1-based): chr14:104,708,549, A>G. VCF-style: chr14-104708549-A-G. GRCh37 (hg19) VCF-style: chr14-105174886-A-G.
Other names: c.1849A>G, p.Thr617Ala (NM_001031714.4); short protein forms T617A.
Identifiers: ClinVar variation 1433353 (VCV001433353.6), dbSNP rs2140672247, ClinGen allele CA391218779.

ClinVar aggregate classification (germline): Uncertain significance (1 of 4 stars; one submission).

Conditions:
Charcot-Marie-Tooth disease dominant intermediate E. Also called: CHARCOT-MARIE-TOOTH NEUROPATHY WITH FOCAL SEGMENTAL GLOMERULONEPHRITIS. Identifiers: Orphanet 93114, MedGen C4302667, MONDO:0013758, OMIM 614455.
Focal segmental glomerulosclerosis 5 (FSGS5). Identifiers: Orphanet 656, MedGen C2750475, MONDO:0013191, OMIM 613237.

Allele frequency attached by ClinVar (database versions not stated): gnomAD exomes below 0.00001.
gnomAD v4.1: 1 of 1,612,268 alleles (0.000062%); highest among the groups gnomAD compares: Non-Finnish European, 0.000085%; no homozygotes.

Submission:

Labcorp Genetics (formerly Invitae), Labcorp
Classification: Uncertain significance for Charcot-Marie-Tooth disease dominant intermediate E; Focal segmental glomerulosclerosis 5. Last evaluated: 2022-06-20. Review status: criteria provided, single submitter. Criteria: Invitae Variant Classification Sherloc (09022015). Collection method: clinical testing. Allele origin: germline.
Comment: This sequence change replaces threonine, which is neutral and polar, with alanine, which is neutral and non-polar, at codon 617 of the INF2 protein (p.Thr617Ala). This variant is not present in population databases (gnomAD no frequency). This variant has not been reported in the literature in individuals affected with INF2-related conditions. Algorithms developed to predict the effect of missense changes on protein structure and function output the following: SIFT: "Tolerated"; PolyPhen-2: "Not Available"; Align-GVGD: "Class C0". The alanine amino acid residue is found in multiple mammalian species, which suggests that this missense change does not adversely affect protein function. In summary, the available evidence is currently insufficient to determine the role of this variant in disease. Therefore, it has been classified as a Variant of Uncertain Significance.